The following is an entry in ClinVar:

NM_024675.4(PALB2):c.3294GAC[1] (p.Thr1100del)

Gene: PALB2 (partner and localizer of BRCA2; minus strand). Cytogenetic location: 16p12.2.
Variant type: Microsatellite.
Coding change: c.3294GAC[1] on transcript NM_024675.4 (MANE Select); one copy of the 3-base unit GAC starting at c.3294; the reference has two copies in a row; one copy, 3 bases deleted.
Protein change: p.Thr1100del; deletes threonine 1100.
Molecular consequence: inframe deletion.
Genome position (GRCh38, 1-based): chr16:23,607,915-23,607,917, GTC deleted on the plus strand (GAC on the coding strand, the reverse complement: PALB2 is on the minus strand); deleting any 3 consecutive bases within chr16:23,607,915-23,607,920 gives the same sequence; the position shown is the placement nearest the transcript's 3' end. VCF-style (leftmost placement, unchanged base first): chr16-23607914-AGTC-A. GRCh37 (hg19) VCF-style: chr16-23619235-AGTC-A.
Other names: short protein forms T1100del.
Identifiers: ClinVar variation 947147 (VCV000947147.10), dbSNP rs1966507561, ClinGen allele CA2213428809.

ClinVar aggregate classification (germline): Uncertain significance (1 of 4 stars; one submission).

Conditions:
Familial cancer of breast. Also called: Hereditary breast cancer; hereditary breast carcinoma; BREAST CANCER, FAMILIAL. Identifiers: Orphanet 227535, MedGen C0346153, MONDO:0016419, OMIM 114480. Disease mechanism: loss of function.

Submission:

Labcorp Genetics (formerly Invitae), Labcorp
Classification: Uncertain significance for Familial cancer of breast. Last evaluated: 2019-06-28. Review status: criteria provided, single submitter. Criteria: Invitae Variant Classification Sherloc (09022015). Collection method: clinical testing. Allele origin: germline.
Comment: This variant, c.3297_3299del, results in the deletion of 1 amino acid(s) of the PALB2 protein (p.Thr1100del), but otherwise preserves the integrity of the reading frame. This variant is not present in population databases (ExAC no frequency). This variant has not been reported in the literature in individuals with PALB2-related conditions. Experimental studies and prediction algorithms are not available or were not evaluated for this variant, and the functional significance of the affected amino acid(s) is currently unknown. In summary, the available evidence is currently insufficient to determine the role of this variant in disease. Therefore, it has been classified as a Variant of Uncertain Significance.